The following is an entry in ClinVar:

ClinVar aggregate classification (germline): Likely benign. Review status: criteria provided, multiple submitters, no conflicts (2 of 4 stars). 2 submissions from 2 submitters: Likely benign (2). Last evaluated 2026-01-01.

Allele frequency attached by ClinVar (database versions not stated): ExAC 0.00001; gnomAD exomes 0.00001; TOPMed 0.00004; gnomAD 0.00005; ESP Exome Variant Server 0.00008.
gnomAD v4.1: 27 of 1,613,926 alleles (0.0017%); highest among the groups gnomAD compares: Non-Finnish European, 0.0018%; no homozygotes.

Submissions (2):

CeGaT Center for Human Genetics Tuebingen
Classification: Likely benign. Last evaluated: 2026-01-01. Review status: criteria provided, single submitter. Criteria: CeGaT Center For Human Genetics Tuebingen Variant Classification Criteria Version 2. Collection method: clinical testing. Allele origin: germline. Affected: yes. Observed: 2 variant alleles.
Comment: YWHAG: BP4, BP7

Labcorp Genetics (formerly Invitae), Labcorp
Classification: Likely benign. Last evaluated: 2025-11-06. Review status: criteria provided, single submitter. Criteria: Invitae Variant Classification Sherloc (09022015). Collection method: clinical testing. Allele origin: germline.

NM_012479.4(YWHAG):c.432G>A (p.Ala144=)

Gene: YWHAG (tyrosine 3-monooxygenase/tryptophan 5-monooxygenase activation protein gamma; minus strand). Cytogenetic location: 7q11.23.
Variant type: single nucleotide variant.
Coding change: c.432G>A on transcript NM_012479.4 (MANE Select); coding-DNA position 432, G replaced by A.
Protein change: p.Ala144=; no amino-acid change (alanine 144 retained).
Molecular consequence: synonymous variant.
Genome position (GRCh38, 1-based): chr7:76,329,889, C>T on the plus strand (G>A on the coding strand, the complement: YWHAG is on the minus strand). VCF-style: chr7-76329889-C-T. GRCh37 (hg19) VCF-style: chr7-75959206-C-T.
Identifiers: ClinVar variation 2065790 (VCV002065790.21), dbSNP rs140411299, ClinGen allele CA4306536.